The following is an entry in ClinVar:

NM_000743.5(CHRNA3):c.564T>C (p.Asp188=)

Gene: CHRNA3 (cholinergic receptor nicotinic alpha 3 subunit; minus strand). Cytogenetic location: 15q25.1.
Variant type: single nucleotide variant.
Coding change: c.564T>C on transcript NM_000743.5 (MANE Select); coding-DNA position 564, T replaced by C.
Protein change: p.Asp188=; no amino-acid change (aspartic acid 188 retained).
Molecular consequence: synonymous variant. On other transcripts: non-coding transcript variant (1).
Genome position (GRCh38, 1-based): chr15:78,602,078, A>G on the plus strand (T>C on the coding strand, the complement: CHRNA3 is on the minus strand). VCF-style: chr15-78602078-A-G. GRCh37 (hg19) VCF-style: chr15-78894420-A-G.
Other names: c.564T>C, p.Asp188= (NM_001166694.2).
Identifiers: ClinVar variation 722731 (VCV000722731.33), dbSNP rs8192480, ClinGen allele CA7684446.

ClinVar aggregate classification (germline): Benign/Likely benign. Review status: criteria provided, multiple submitters, no conflicts (2 of 4 stars). 4 submissions from 4 submitters: Benign (2); Likely benign (2). Last evaluated 2026-01-27.

Conditions:
Urinary bladder, atony of. Also called: Bladder Dysfunction with Impaired Pupillary Reflex and Secondary Congenital Anomalies of the Kidney and Urinary Tract. Identifiers: MedGen C5231389, MONDO:0008630, OMIM 191800.
SMOKING AS A QUANTITATIVE TRAIT LOCUS 3 (SQTL3). Identifiers: MedGen C3150168, OMIM 612052.

Allele frequency attached by ClinVar (database versions not stated): 1000 Genomes Project 30x 0.00234; 1000 Genomes Project 0.00280; TOPMed 0.00287; ESP Exome Variant Server 0.00324; gnomAD exomes 0.00415 and 0.00641; gnomAD 0.00577 and 0.00578; ExAC 0.00649.
gnomAD v4.1: 6,938 of 1,614,132 alleles (0.43%); highest among the groups gnomAD compares: South Asian, 0.55%; 59 homozygotes.

Submissions (4):

Labcorp Genetics (formerly Invitae), Labcorp
Classification: Benign. Last evaluated: 2026-01-27. Review status: criteria provided, single submitter. Criteria: Invitae Variant Classification Sherloc (09022015). Collection method: clinical testing. Allele origin: germline.

CeGaT Center for Human Genetics Tuebingen
Classification: Likely benign. Last evaluated: 2024-09-01. Review status: criteria provided, single submitter. Criteria: CeGaT Center For Human Genetics Tuebingen Variant Classification Criteria Version 2. Collection method: clinical testing. Allele origin: germline. Affected: yes. Observed: 3 variant alleles.
Comment: CHRNA3: BP4, BP7, BS2

Fulgent Genetics
Classification: Likely benign for Urinary bladder, atony of; SMOKING AS A QUANTITATIVE TRAIT LOCUS 3. Last evaluated: 2021-07-27. Review status: criteria provided, single submitter. Criteria: ACMG Guidelines, 2015. Collection method: clinical testing. Allele origin: unknown.

Breakthrough Genomics
Classification: Benign. Review status: criteria provided, single submitter. Criteria: ACMG Guidelines, 2015. Collection method: not provided. Allele origin: germline. Inheritance: Autosomal recessive inheritance. Affected: yes.